The following is an entry in ClinVar:

ClinVar aggregate classification (germline): Uncertain significance. Review status: criteria provided, multiple submitters, no conflicts (2 of 4 stars). 2 submissions from 2 submitters: Uncertain significance (2). Last evaluated 2025-10-27.

Conditions:
Dilated cardiomyopathy 1G (CMD1G). Identifiers: Orphanet 154, MedGen C1858763, MONDO:0011400, OMIM 604145.
Autosomal recessive limb-girdle muscular dystrophy type 2J (LGMDR10). Also called: Limb-girdle muscular dystrophy, type 2J; MUSCULAR DYSTROPHY, LIMB-GIRDLE, AUTOSOMAL RECESSIVE 10. Identifiers: Orphanet 140922, MedGen C1837342, MONDO:0012127, OMIM 608807.

Allele frequency attached by ClinVar (database versions not stated): gnomAD below 0.00001 and 0.00001; TOPMed below 0.00001; ExAC 0.00001; gnomAD exomes 0.00001.
gnomAD v4.1: 17 of 1,589,074 alleles (0.0011%); highest among the groups gnomAD compares: East Asian, 0.018%; no homozygotes.

Submissions (2):

Labcorp Genetics (formerly Invitae), Labcorp
Classification: Uncertain significance for Dilated cardiomyopathy 1G; Autosomal recessive limb-girdle muscular dystrophy type 2J. Last evaluated: 2025-10-27. Review status: criteria provided, single submitter. Criteria: Invitae Variant Classification Sherloc (09022015). Collection method: clinical testing. Allele origin: germline.
Comment: This sequence change replaces proline, which is neutral and non-polar, with leucine, which is neutral and non-polar, at codon 35896 of the TTN protein (p.Pro35896Leu). The frequency data for this variant in the population databases is considered unreliable, as metrics indicate poor data quality at this position in the gnomAD database. This missense change has been observed in individual(s) with TTN-related conditions (internal data). ClinVar contains an entry for this variant (Variation ID: 834283). Experimental studies and prediction algorithms are not available or were not evaluated, and the functional significance of this variant is currently unknown. This variant is located in the M band of TTN (PMID: 25589632). Non-truncating variants in this region may be relevant for neuromuscular disorders, but have not been definitively shown to cause cardiomyopathy (PMID: 23975875). In summary, the available evidence is currently insufficient to determine the role of this variant in disease. Therefore, it has been classified as a Variant of Uncertain Significance.

Mayo Clinic Laboratories, Mayo Clinic
Classification: Uncertain significance. Last evaluated: 2023-11-10. Review status: criteria provided, single submitter. Criteria: ACMG Guidelines, 2015. Collection method: clinical testing. Allele origin: germline. Observed: 1 variant allele.

Literature cited by the submitters: PubMed 25589632 (cited by Labcorp Genetics (formerly Invitae), Labcorp); PubMed 23975875 (cited by Labcorp Genetics (formerly Invitae), Labcorp).

NM_001267550.2(TTN):c.107687C>T (p.Pro35896Leu)

Genes: TTN-AS1 (TTN antisense RNA 1; plus strand), TTN (titin; minus strand). Cytogenetic location: 2q31.2.
Variant type: single nucleotide variant.
Coding change: c.107687C>T on transcript NM_001267550.2 (MANE Select); coding-DNA position 107687, C replaced by T.
Protein change: p.Pro35896Leu; replaces proline 35896 with leucine.
Molecular consequence: missense variant.
Genome position (GRCh38, 1-based): chr2:178,527,301, G>A on the plus strand (C>T on the coding strand, the complement: TTN is on the minus strand). VCF-style: chr2-178527301-G-A. GRCh37 (hg19) VCF-style: chr2-179392028-G-A.
Other names: p.Pro34255Leu; c.102764C>T, p.Pro34255Leu (NM_001256850.1); c.80492C>T, p.Pro26831Leu (NM_003319.4); c.99983C>T, p.Pro33328Leu (NM_133378.4); c.80867C>T, p.Pro26956Leu (NM_133432.3); c.81068C>T, p.Pro27023Leu (NM_133437.4); short protein forms P26831L, P33328L, P27023L, P26956L, P34255L, P35896L.
Identifiers: ClinVar variation 834283 (VCV000834283.9), dbSNP rs767565621, ClinGen allele CA1984891.